The following is an entry in ClinVar:

ClinVar aggregate classification (germline): Uncertain significance. Review status: criteria provided, multiple submitters, no conflicts (2 of 4 stars). 3 submissions from 3 submitters: Uncertain significance (3). Last evaluated 2025-07-29.

Conditions:
Epidermolysis bullosa simplex 5B, with muscular dystrophy (EBS5B). Also called: EPIDERMOLYSIS BULLOSA SIMPLEX AND LIMB-GIRDLE MUSCULAR DYSTROPHY; Epidermolysis bullosa simplex with muscular dystrophy. Identifiers: Orphanet 257, MedGen C2931072, MONDO:0009181, OMIM 226670.
Epidermolysis bullosa simplex 5C, with pyloric atresia (EBS5C). Also called: Epidermolysis bullosa simplex with pyloric atresia; PLEC-Related Epidermolysis Bullosa with Pyloric Atresia; PLEC1-Related Epidermolysis Bullosa with Pyloric Atresia. Identifiers: Orphanet 158684, MedGen C2677349, MONDO:0012807, OMIM 612138.
Autosomal recessive limb-girdle muscular dystrophy type 2Q (LGMDR17). Also called: MUSCULAR DYSTROPHY, LIMB-GIRDLE, AUTOSOMAL RECESSIVE 17. Identifiers: Orphanet 254361, MedGen C3150989, MONDO:0013390, OMIM 613723.
Epidermolysis bullosa simplex with nail dystrophy (EBS5D). Identifiers: MedGen C4225309, MONDO:0014661, OMIM 616487.
Epidermolysis bullosa simplex, Ogna type (EBS5A). Also called: Pidermolysis bullosa simplex 5A, Ogna type; EPIDERMOLYSIS BULLOSA SIMPLEX 5A, OGNA TYPE. Identifiers: Orphanet 79401, MedGen C0432317, MONDO:0007555, OMIM 131950.
Inborn genetic diseases. Identifiers: MedGen C0950123, MeSH D030342.

Allele frequency attached by ClinVar (database versions not stated): gnomAD 0.00001; ExAC 0.00002; gnomAD exomes below 0.00001; TOPMed below 0.00001.

Submissions (3):

Labcorp Genetics (formerly Invitae), Labcorp
Classification: Uncertain significance for Autosomal recessive limb-girdle muscular dystrophy type 2Q; Epidermolysis bullosa simplex, Ogna type; Epidermolysis bullosa simplex with nail dystrophy; Epidermolysis bullosa simplex 5C, with pyloric atresia; Epidermolysis bullosa simplex 5B, with muscular dystrophy. Last evaluated: 2025-07-29. Review status: criteria provided, single submitter. Criteria: Invitae Variant Classification Sherloc (09022015). Collection method: clinical testing. Allele origin: germline.
Comment: This sequence change replaces arginine, which is basic and polar, with histidine, which is basic and polar, at codon 780 of the PLEC protein (p.Arg780His). The frequency data for this variant in the population databases is considered unreliable, as metrics indicate poor data quality at this position in the gnomAD database. This variant has not been reported in the literature in individuals affected with PLEC-related conditions. ClinVar contains an entry for this variant (Variation ID: 1044840). Invitae Evidence Modeling of protein sequence and biophysical properties (such as structural, functional, and spatial information, amino acid conservation, physicochemical variation, residue mobility, and thermodynamic stability) indicates that this missense variant is not expected to disrupt PLEC protein function with a negative predictive value of 80%. In summary, the available evidence is currently insufficient to determine the role of this variant in disease. Therefore, it has been classified as a Variant of Uncertain Significance.

Ambry Genetics
Classification: Uncertain significance for Inborn genetic diseases. Last evaluated: 2023-02-09. Review status: criteria provided, single submitter. Criteria: Ambry Variant Classification Scheme 2023. Collection method: clinical testing. Allele origin: germline.

Revvity Omics, Revvity
Classification: Uncertain significance. Last evaluated: 2022-04-01. Review status: criteria provided, single submitter. Criteria: ACMG Guidelines, 2015. Collection method: clinical testing. Allele origin: germline.

NM_201384.3(PLEC):c.2258G>A (p.Arg753His)

Gene: PLEC (plectin; minus strand). Cytogenetic location: 8q24.3.
Variant type: single nucleotide variant.
Coding change: c.2258G>A on transcript NM_201384.3 (MANE Select); coding-DNA position 2258, G replaced by A.
Protein change: p.Arg753His; replaces arginine 753 with histidine.
Molecular consequence: missense variant.
Genome position (GRCh38, 1-based): chr8:143,931,580, C>T on the plus strand (G>A on the coding strand, the complement: PLEC is on the minus strand). VCF-style: chr8-143931580-C-T. GRCh37 (hg19) VCF-style: chr8-145005748-C-T.
Other names: c.2339G>A, p.Arg780His (NM_000445.5); c.2216G>A, p.Arg739His (NM_201378.4); c.2192G>A, p.Arg731His (NM_201379.3); c.2669G>A, p.Arg890His (NM_201380.4); c.2162G>A, p.Arg721His (NM_201381.3); c.2258G>A, p.Arg753His (NM_201382.4); c.2270G>A, p.Arg757His (NM_201383.3); c.2339G>A (NM_000445.3); short protein forms R731H, R890H, R753H, R780H, R721H, R739H, R757H.
Identifiers: ClinVar variation 1044840 (VCV001044840.10), dbSNP rs782343456, ClinGen allele CA4927601.